The following is an entry in ClinVar:

NM_000053.4(ATP7B):c.2532A>G (p.Lys844=)

Gene: ATP7B (ATPase copper transporting beta; minus strand). Cytogenetic location: 13q14.3.
Variant type: single nucleotide variant.
Coding change: c.2532A>G on transcript NM_000053.4 (MANE Select); coding-DNA position 2532, A replaced by G.
Protein change: p.Lys844=; no amino-acid change (lysine 844 retained).
Molecular consequence: synonymous variant. On other transcripts: intron variant (1).
Genome position (GRCh38, 1-based): chr13:51,950,315, T>C on the plus strand (A>G on the coding strand, the complement: ATP7B is on the minus strand). VCF-style: chr13-51950315-T-C. GRCh37 (hg19) VCF-style: chr13-52524451-T-C.
Other names: c.2292A>G, p.Lys764= (NM_001406530.1); c.2280A>G, p.Lys760= (NM_001406531.1, NM_001406532.1, NM_001406540.1 and 1 more transcripts); c.2298A>G, p.Lys766= (NM_001406534.1, NM_001406538.1, NM_001406527.1 and 2 more transcripts); c.2532A>G, p.Lys844= (NM_001406535.1, NM_001406519.1, NM_001406523.1 and 7 more transcripts); c.2202A>G, p.Lys734= (NM_001406536.1); c.2388A>G, p.Lys796= (NM_001406537.1, NM_001406520.1, NM_001406521.1 and 1 more transcripts); c.2103A>G, p.Lys701= (NM_001406539.1); c.2046A>G, p.Lys682= (NM_001406541.1, NM_001406542.1, NM_001406546.1 and 1 more transcripts); and 8 more.
Identifiers: ClinVar variation 3074687 (VCV003074687.2), dbSNP rs2547673538, ClinGen allele CA483895752.
Genomic context (GRCh38, chr13:51,950,315, plus strand): 5'-GAAACAAGCCATCTCACCTGTGATGAGGGACTCATCAGCCATGGTATTGCCTTCCAGGAC[T>C]TTCCCATCCACTGGAAACTTTCCCCCAGGGACCACCTTGACGATATCGCCCCGCTGCACC-3'
Protein context (NP_000044.2, residues 834-854): VPGGKFPVDG[Lys844=]VLEGNTMADE

ClinVar aggregate classification (germline): Likely benign. Review status: criteria provided, multiple submitters, no conflicts (2 of 4 stars). 2 submissions from 2 submitters: Likely benign (2). Last evaluated 2023-11-20.

Conditions:
Wilson disease (WND). Also called: Wilson's disease. Identifiers: Orphanet 905, MedGen C0019202, MONDO:0010200, OMIM 277900. Disease mechanism: loss of function.

Submissions (2):

All of Us Research Program, National Institutes of Health
Classification: Likely benign for Wilson disease. Last evaluated: 2023-11-20. Review status: criteria provided, single submitter. Criteria: ACMG Guidelines, 2015. Collection method: clinical testing. Allele origin: germline. Inheritance: Autosomal recessive inheritance. Observed: 1 variant allele, 1 heterozygote.
Comment: This study involves interpretation of variants in research participants for the purpose of population health screening. Participant phenotype was not available at the time of variant classification. Additional details can be found in publication PMID: 35346344, PMCID: PMC8962531

Color Diagnostics, LLC DBA Color Health
Classification: Likely benign for Wilson disease. Last evaluated: 2023-11-08. Review status: criteria provided, single submitter. Criteria: ACMG Guidelines, 2015. Collection method: clinical testing. Allele origin: germline.